The following is an entry in ClinVar:

ClinVar aggregate classification (germline): Likely benign. Review status: criteria provided, multiple submitters, no conflicts (2 of 4 stars). 5 submissions from 5 submitters: Likely benign (5). Last evaluated 2026-03-23.

Conditions:
Familial thoracic aortic aneurysm and aortic dissection (TAAD). Also called: Thoracic aortic aneurysms and dissections. Identifiers: Orphanet 91387, MedGen C4707243, MONDO:0019625.
Ehlers-Danlos syndrome, classic type, 1 (EDSCL1). Also called: Ehlers-Danlos Syndrome, Classic Type, COL5A1-Related; EDS I; Ehlers-Danlos syndrome, type 1; EHLERS-DANLOS SYNDROME, GRAVIS TYPE; EHLERS-DANLOS SYNDROME, SEVERE CLASSIC TYPE. Identifiers: MedGen C0268335, MONDO:0019567, OMIM 130000.

Allele frequency attached by ClinVar (database versions not stated): gnomAD exomes 0.00002 and 0.00004; ExAC 0.00004.
gnomAD v4.1: 30 of 1,613,666 alleles (0.0019%); highest among the groups gnomAD compares: Middle Eastern, 0.066%; no homozygotes.

Submissions (5):

Women's Health and Genetics/Laboratory Corporation of America, LabCorp
Classification: Likely benign. Last evaluated: 2026-03-23. Review status: criteria provided, single submitter. Criteria: LabCorp Variant Classification Summary - May 2015. Collection method: clinical testing. Allele origin: germline.

Labcorp Genetics (formerly Invitae), Labcorp
Classification: Likely benign for Ehlers-Danlos syndrome, classic type, 1. Last evaluated: 2026-01-15. Review status: criteria provided, single submitter. Criteria: Invitae Variant Classification Sherloc (09022015). Collection method: clinical testing. Allele origin: germline.

ARUP Laboratories, Molecular Genetics and Genomics, ARUP Laboratories
Classification: Likely benign. Last evaluated: 2023-05-08. Review status: criteria provided, single submitter. Criteria: ARUP Molecular Germline Variant Investigation Process 2024. Collection method: clinical testing. Allele origin: germline.

Ambry Genetics
Classification: Likely benign for Familial thoracic aortic aneurysm and aortic dissection. Last evaluated: 2019-12-20. Review status: criteria provided, single submitter. Criteria: Ambry Variant Classification Scheme 2023. Collection method: clinical testing. Allele origin: germline.

GeneDx
Classification: Likely benign. Last evaluated: 2017-11-27. Review status: criteria provided, single submitter. Criteria: GeneDx Variant Classification (06012015). Collection method: clinical testing. Allele origin: germline. Affected: yes.
Comment: This variant is considered likely benign or benign based on one or more of the following criteria: it is a conservative change, it occurs at a poorly conserved position in the protein, it is predicted to be benign by multiple in silico algorithms, and/or has population frequency not consistent with disease.

NM_000093.5(COL5A1):c.219C>T (p.Val73=)

Gene: COL5A1 (collagen type V alpha 1 chain; plus strand). Cytogenetic location: 9q34.3.
Variant type: single nucleotide variant.
Coding change: c.219C>T on transcript NM_000093.5 (MANE Select); coding-DNA position 219, C replaced by T.
Protein change: p.Val73=; no amino-acid change (valine 73 retained).
Molecular consequence: synonymous variant.
Genome position (GRCh38, 1-based): chr9:134,691,021, C>T. VCF-style: chr9-134691021-C-T. GRCh37 (hg19) VCF-style: chr9-137582867-C-T.
Other names: c.219C>T, p.Val73= (NM_001278074.1).
Identifiers: ClinVar variation 513641 (VCV000513641.10), dbSNP rs774691915, ClinGen allele CA5318237.